The following is an entry in ClinVar:

ClinVar aggregate classification (germline): Uncertain significance (1 of 4 stars; one submission).

gnomAD v4.1: 3 of 1,614,074 alleles (0.00019%); highest among the groups gnomAD compares: Admixed American, 0.005%; no homozygotes.

Submission:

Labcorp Genetics (formerly Invitae), Labcorp
Classification: Uncertain significance. Last evaluated: 2026-01-24. Review status: criteria provided, single submitter. Criteria: Invitae Variant Classification Sherloc (09022015). Collection method: clinical testing. Allele origin: germline.
Comment: This sequence change replaces leucine, which is neutral and non-polar, with isoleucine, which is neutral and non-polar, at codon 2874 of the ANK3 protein (p.Leu2874Ile). This variant is present in population databases (no rsID available, gnomAD 0.003%). This variant has not been reported in the literature in individuals affected with ANK3-related conditions. ClinVar contains an entry for this variant (Variation ID: 1922834). Invitae Evidence Modeling of protein sequence and biophysical properties (such as structural, functional, and spatial information, amino acid conservation, physicochemical variation, residue mobility, and thermodynamic stability) indicates that this missense variant is not expected to disrupt ANK3 protein function with a negative predictive value of 80%. In summary, the available evidence is currently insufficient to determine the role of this variant in disease. Therefore, it has been classified as a Variant of Uncertain Significance.

NM_020987.5(ANK3):c.8620C>A (p.Leu2874Ile)

Gene: ANK3 (ankyrin 3; minus strand). Cytogenetic location: 10q21.2.
Variant type: single nucleotide variant.
Coding change: c.8620C>A on transcript NM_020987.5 (MANE Select); coding-DNA position 8620, C replaced by A.
Protein change: p.Leu2874Ile; replaces leucine 2874 with isoleucine.
Molecular consequence: missense variant. On other transcripts: intron variant (4).
Genome position (GRCh38, 1-based): chr10:60,072,261, G>T on the plus strand (C>A on the coding strand, the complement: ANK3 is on the minus strand). VCF-style: chr10-60072261-G-T. GRCh37 (hg19) VCF-style: chr10-61832019-G-T.
Other names: c.4388-4252C>A (NM_001204403.2); c.4409-4252C>A (NM_001204404.2); c.4406-4252C>A (NM_001320874.2); c.1808-4252C>A (NM_001149.4); short protein forms L2874I.
Identifiers: ClinVar variation 1922834 (VCV001922834.5), dbSNP rs1278563360, ClinGen allele CA377006978.